The following is an entry in ClinVar:

NM_006922.4(SCN3A):c.2164T>C (p.Ser722Pro)

Gene: SCN3A (sodium voltage-gated channel alpha subunit 3; minus strand). Cytogenetic location: 2q24.3.
Variant type: single nucleotide variant.
Coding change: c.2164T>C on transcript NM_006922.4 (MANE Select); coding-DNA position 2164, T replaced by C.
Protein change: p.Ser722Pro; replaces serine 722 with proline.
Molecular consequence: missense variant.
Genome position (GRCh38, 1-based): chr2:165,138,106, A>G on the plus strand (T>C on the coding strand, the complement: SCN3A is on the minus strand). VCF-style: chr2-165138106-A-G. GRCh37 (hg19) VCF-style: chr2-165994616-A-G.
Other names: c.2017T>C, p.Ser673Pro (NM_001081676.2, NM_001081677.2); short protein forms S722P, S673P.
Identifiers: ClinVar variation 2016187 (VCV002016187.4), dbSNP rs2468304497, ClinGen allele CA349045460.
Genomic context (GRCh38, chr2:165,138,106, plus strand): 5'-AGTCCCAGATCAAGAACACATTGGCAAATCTATACCAGCATGGCGGACATTTCTGTCTAG[A>G]TTCTTCAAGTTCTGGAGGGACAATAACAAGGAAGAGTAGTAAATAACAACAAAAATGAGT-3'
Protein context (NP_008853.3, residues 712-732): LTNTMEELEE[Ser722Pro]RQKCPPCWYR

ClinVar aggregate classification (germline): Uncertain significance (1 of 4 stars; one submission).

Submission:

Labcorp Genetics (formerly Invitae), Labcorp
Classification: Uncertain significance. Last evaluated: 2024-05-15. Review status: criteria provided, single submitter. Criteria: Invitae Variant Classification Sherloc (09022015). Collection method: clinical testing. Allele origin: germline.
Comment: This sequence change replaces serine, which is neutral and polar, with proline, which is neutral and non-polar, at codon 722 of the SCN3A protein (p.Ser722Pro). This variant is not present in population databases (gnomAD no frequency). This variant has not been reported in the literature in individuals affected with SCN3A-related conditions. ClinVar contains an entry for this variant (Variation ID: 2016187). Advanced modeling of protein sequence and biophysical properties (such as structural, functional, and spatial information, amino acid conservation, physicochemical variation, residue mobility, and thermodynamic stability) has been performed at Invitae for this missense variant, however the output from this modeling did not meet the statistical confidence thresholds required to predict the impact of this variant on SCN3A protein function. In summary, the available evidence is currently insufficient to determine the role of this variant in disease. Therefore, it has been classified as a Variant of Uncertain Significance.